The following is an entry in ClinVar:

ClinVar aggregate classification (germline): Uncertain significance (1 of 4 stars; one submission).

Conditions:
Intellectual developmental disorder, autosomal dominant 66. Also called: MENTAL RETARDATION, AUTOSOMAL DOMINANT 66. Identifiers: MedGen C5677000, MONDO:0030891, OMIM 619910.

Submission:

Laboratorio de Genetica e Diagnostico Molecular, Hospital Israelita Albert Einstein
Classification: Uncertain significance for Intellectual developmental disorder, autosomal dominant 66. Last evaluated: 2024-11-14. Review status: criteria provided, single submitter. Criteria: ACMG Guidelines, 2015. Collection method: clinical testing. Allele origin: germline. Affected: yes.
Comment: ACMG classification criteria: PM2 supporting, PP2 supporting

NM_001366521.1(ATP2B1):c.1687G>T (p.Val563Phe)

Gene: ATP2B1 (ATPase plasma membrane Ca2+ transporting 1; minus strand). Cytogenetic location: 12q21.33.
Variant type: single nucleotide variant.
Coding change: c.1687G>T on transcript NM_001366521.1 (MANE Select); coding-DNA position 1687, G replaced by T.
Protein change: p.Val563Phe; replaces valine 563 with phenylalanine.
Molecular consequence: missense variant. On other transcripts: non-coding transcript variant (3).
Genome position (GRCh38, 1-based): chr12:89,620,141, C>A on the plus strand (G>T on the coding strand, the complement: ATP2B1 is on the minus strand). VCF-style: chr12-89620141-C-A. GRCh37 (hg19) VCF-style: chr12-90013918-C-A.
Other names: c.1687G>T, p.Val563Phe (NM_001001323.2, NM_001366520.1, NM_001366522.1 and 12 more transcripts); c.1489G>T, p.Val497Phe (NM_001366530.1, NM_001413053.1); c.1126G>T, p.Val376Phe (NM_001366531.1, NM_001366532.1, NM_001413058.1 and 2 more transcripts); c.1648G>T, p.Val550Phe (NM_001413048.1); c.1546G>T, p.Val516Phe (NM_001413051.1, NM_001413052.1, NM_001413055.1); c.1444G>T, p.Val482Phe (NM_001413054.1); c.1432G>T, p.Val478Phe (NM_001413056.1); c.1234G>T, p.Val412Phe (NM_001413057.1); short protein forms V376F, V412F, V478F, V482F, V497F, V516F, V550F, V563F.
Identifiers: ClinVar variation 3901008 (VCV003901008.1).
Genomic context (GRCh38, chr12:89,620,141, plus strand): 5'-TCCTAACAGAATTGAAGGTGTAGACTTTGTACAGTGCTTCTTCTGGTATTTCATTTCTAA[C>A]ATCCTGATAATCCCGTTTTAAATCCAAAAGAAGTCCCAACAAGGCACATTCAGTTTTATT-3'
Protein context (NP_001353450.1, residues 553-573): LLDLKRDYQD[Val563Phe]RNEIPEEALY